The following is an entry in ClinVar:

NM_022482.5(GZF1):c.1912T>A (p.Leu638Met)

Gene: GZF1 (GDNF inducible zinc finger protein 1; plus strand). Cytogenetic location: 20p11.21.
Variant type: single nucleotide variant.
Coding change: c.1912T>A on transcript NM_022482.5 (MANE Select); coding-DNA position 1912, T replaced by A.
Protein change: p.Leu638Met; replaces leucine 638 with methionine.
Molecular consequence: missense variant.
Genome position (GRCh38, 1-based): chr20:23,370,217, T>A. VCF-style: chr20-23370217-T-A. GRCh37 (hg19) VCF-style: chr20-23350854-T-A.
Other names: c.1912T>A, p.Leu638Met (NM_001317012.2); c.1866T>A, p.Asn622Lys (NM_001317019.1); c.1912T>A (NM_022482.3); short protein forms N622K, L638M.
Identifiers: ClinVar variation 1961167 (VCV001961167.6), dbSNP rs766454027, ClinGen allele CA9788847.

ClinVar aggregate classification (germline): Uncertain significance. Review status: criteria provided, multiple submitters, no conflicts (2 of 4 stars). 2 submissions from 2 submitters: Uncertain significance (2). Last evaluated 2025-12-15.

Conditions:
Inborn genetic diseases. Identifiers: MedGen C0950123, MeSH D030342.

Allele frequency attached by ClinVar (database versions not stated): ExAC 0.00001; gnomAD exomes 0.00001; TOPMed 0.00004.
gnomAD v4.1: 8 of 1,614,162 alleles (0.0005%); highest among the groups gnomAD compares: Admixed American, 0.005%; no homozygotes.

Submissions (2):

Ambry Genetics
Classification: Uncertain significance for Inborn genetic diseases. Last evaluated: 2025-12-15. Review status: criteria provided, single submitter. Criteria: Ambry Variant Classification Scheme 2023. Collection method: clinical testing. Allele origin: germline.

Labcorp Genetics (formerly Invitae), Labcorp
Classification: Uncertain significance. Last evaluated: 2022-07-26. Review status: criteria provided, single submitter. Criteria: Invitae Variant Classification Sherloc (09022015). Collection method: clinical testing. Allele origin: germline.
Comment: Algorithms developed to predict the effect of missense changes on protein structure and function are either unavailable or do not agree on the potential impact of this missense change (SIFT: "Not Available"; PolyPhen-2: "Probably Damaging"; Align-GVGD: "Not Available"). This variant has not been reported in the literature in individuals affected with GZF1-related conditions. This variant is present in population databases (rs766454027, gnomAD 0.003%). This sequence change replaces leucine, which is neutral and non-polar, with methionine, which is neutral and non-polar, at codon 638 of the GZF1 protein (p.Leu638Met). In summary, the available evidence is currently insufficient to determine the role of this variant in disease. Therefore, it has been classified as a Variant of Uncertain Significance.